The following is an entry in ClinVar:

NM_015915.5(ATL1):c.218C>T (p.Ala73Val)

Gene: ATL1 (atlastin GTPase 1; plus strand). Cytogenetic location: 14q22.1.
Variant type: single nucleotide variant.
Coding change: c.218C>T on transcript NM_015915.5 (MANE Select); coding-DNA position 218, C replaced by T.
Protein change: p.Ala73Val; replaces alanine 73 with valine.
Molecular consequence: missense variant.
Genome position (GRCh38, 1-based): chr14:50,588,014, C>T. VCF-style: chr14-50588014-C-T. GRCh37 (hg19) VCF-style: chr14-51054732-C-T.
Other names: c.218C>T, p.Ala73Val (NM_001127713.1, NM_181598.4); short protein forms A73V.
Identifiers: ClinVar variation 2633006 (VCV002633006.1), dbSNP rs951568761, ClinGen allele CA260772439.

ClinVar aggregate classification (germline): Uncertain significance (1 of 4 stars; one submission).

Conditions:
ATL1-related disorder. Also called: ATL1-related condition.

Submission:

PreventionGenetics, part of Exact Sciences
Classification: Uncertain significance for ATL1-related condition. Last evaluated: 2023-05-12. Review status: criteria provided, single submitter. Criteria: ACMG Guidelines, 2015. Collection method: clinical testing. Allele origin: germline.
Comment: The ATL1 c.218C>T variant is predicted to result in the amino acid substitution p.Ala73Val. To our knowledge, this variant has not been reported in the literature or in a large population database, indicating this variant is rare. At this time, the clinical significance of this variant is uncertain due to the absence of conclusive functional and genetic evidence.